The following is an entry in ClinVar:

NM_000257.4(MYH7):c.1288G>A (p.Ala430Thr)

Gene: MYH7 (myosin heavy chain 7; minus strand). Cytogenetic location: 14q11.2.
Variant type: single nucleotide variant.
Coding change: c.1288G>A on transcript NM_000257.4 (MANE Select); coding-DNA position 1288, G replaced by A.
Protein change: p.Ala430Thr; replaces alanine 430 with threonine.
Molecular consequence: missense variant.
Genome position (GRCh38, 1-based): chr14:23,429,074, C>T on the plus strand (G>A on the coding strand, the complement: MYH7 is on the minus strand). VCF-style: chr14-23429074-C-T. GRCh37 (hg19) VCF-style: chr14-23898283-C-T.
Other names: c.1288G>A, p.Ala430Thr (NM_001407004.1); short protein forms A430T.
Identifiers: ClinVar variation 3022548 (VCV003022548.4), dbSNP rs2502302347, ClinGen allele CA389050944.

ClinVar aggregate classification (germline): Uncertain significance. Review status: criteria provided, multiple submitters, no conflicts (2 of 4 stars). 2 submissions from 2 submitters: Uncertain significance (2). Last evaluated 2024-05-23.

Conditions:
Hypertrophic cardiomyopathy. Also called: HYPERTROPHIC MYOCARDIOPATHY. Identifiers: Orphanet 217569, MedGen C0007194, MeSH D002312, MONDO:0005045, HP:0001639.

Allele frequency attached by ClinVar (database versions not stated): gnomAD exomes 0.00001.
gnomAD v4.1: 13 of 1,614,188 alleles (0.00081%); highest among the groups gnomAD compares: Non-Finnish European, 0.001%; no homozygotes.

Submissions (2):

GeneDx
Classification: Uncertain significance. Last evaluated: 2024-05-23. Review status: criteria provided, single submitter. Criteria: GeneDx Variant Classification Process June 2021. Collection method: clinical testing. Allele origin: germline. Affected: yes.
Comment: Not observed at significant frequency in large population cohorts (gnomAD); In silico analysis indicates that this missense variant does not alter protein structure/function; Has not been previously published as pathogenic or benign to our knowledge; This variant is associated with the following publications: (PMID: 27532257, 29300372)

Labcorp Genetics (formerly Invitae), Labcorp
Classification: Uncertain significance for Hypertrophic cardiomyopathy. Last evaluated: 2024-04-06. Review status: criteria provided, single submitter. Criteria: Invitae Variant Classification Sherloc (09022015). Collection method: clinical testing. Allele origin: germline.
Comment: This sequence change replaces alanine, which is neutral and non-polar, with threonine, which is neutral and polar, at codon 430 of the MYH7 protein (p.Ala430Thr). This variant is not present in population databases (gnomAD no frequency). This variant has not been reported in the literature in individuals affected with MYH7-related conditions. Advanced modeling of protein sequence and biophysical properties (such as structural, functional, and spatial information, amino acid conservation, physicochemical variation, residue mobility, and thermodynamic stability) performed at Invitae indicates that this missense variant is expected to disrupt MYH7 protein function with a positive predictive value of 95%. In summary, the available evidence is currently insufficient to determine the role of this variant in disease. Therefore, it has been classified as a Variant of Uncertain Significance.